The following is an entry in ClinVar:

NM_014679.5(CEP57):c.1068T>G (p.Ile356Met)

Gene: CEP57 (centrosomal protein 57; plus strand). Cytogenetic location: 11q21.
Variant type: single nucleotide variant.
Coding change: c.1068T>G on transcript NM_014679.5 (MANE Select); coding-DNA position 1068, T replaced by G.
Protein change: p.Ile356Met; replaces isoleucine 356 with methionine.
Molecular consequence: missense variant.
Genome position (GRCh38, 1-based): chr11:95,827,968, T>G. VCF-style: chr11-95827968-T-G. GRCh37 (hg19) VCF-style: chr11-95561132-T-G.
Other names: c.1041T>G, p.Ile347Met (NM_001243776.2); c.990T>G, p.Ile330Met (NM_001243777.2); c.987T>G, p.Ile329Met (NM_001363604.2); short protein forms I329M, I330M, I356M, I347M.
Identifiers: ClinVar variation 2052733 (VCV002052733.4), dbSNP rs2496326685, ClinGen allele CA382408369.
Genomic context (GRCh38, chr11:95,827,968, plus strand): 5'-ATCTTCACGAGGTGGTAAAAGTAAGAAGTTGTCAGTAACACCTCCCTCCTCCAACGGTAT[T>G]AATGAGGAGTTGTCAGAAGTCTTACAGACTTTACAGGATGAATTTGGGCAAATGAGCTTG-3'
Protein context (NP_055494.2, residues 346-366): LSVTPPSSNG[Ile356Met]NEELSEVLQT

ClinVar aggregate classification (germline): Uncertain significance (1 of 4 stars; one submission).

Conditions:
Mosaic variegated aneuploidy syndrome 2 (MVA2). Identifiers: Orphanet 1052, MedGen C3279843, MONDO:0013582, OMIM 614114.

Submission:

Labcorp Genetics (formerly Invitae), Labcorp
Classification: Uncertain significance for Mosaic variegated aneuploidy syndrome 2. Last evaluated: 2022-09-10. Review status: criteria provided, single submitter. Criteria: Invitae Variant Classification Sherloc (09022015). Collection method: clinical testing. Allele origin: germline.
Comment: In summary, the available evidence is currently insufficient to determine the role of this variant in disease. Therefore, it has been classified as a Variant of Uncertain Significance. Advanced modeling of protein sequence and biophysical properties (such as structural, functional, and spatial information, amino acid conservation, physicochemical variation, residue mobility, and thermodynamic stability) performed at Invitae indicates that this missense variant is not expected to disrupt CEP57 protein function. This variant has not been reported in the literature in individuals affected with CEP57-related conditions. This variant is not present in population databases (gnomAD no frequency). This sequence change replaces isoleucine, which is neutral and non-polar, with methionine, which is neutral and non-polar, at codon 356 of the CEP57 protein (p.Ile356Met).